The following is an entry in ClinVar:

NM_197968.4(ZMYM2):c.10A>G (p.Ser4Gly)

Gene: ZMYM2 (zinc finger MYM-type containing 2; plus strand). Cytogenetic location: 13q12.11.
Variant type: single nucleotide variant.
Coding change: c.10A>G on transcript NM_197968.4 (MANE Select); coding-DNA position 10, A replaced by G.
Protein change: p.Ser4Gly; replaces serine 4 with glycine.
Molecular consequence: missense variant. On other transcripts: non-coding transcript variant (1).
Genome position (GRCh38, 1-based): chr13:19,993,082, A>G. VCF-style: chr13-19993082-A-G. GRCh37 (hg19) VCF-style: chr13-20567222-A-G.
Other names: c.10A>G, p.Ser4Gly (NM_001353162.3, NM_001353163.2, NM_001353164.2 and 6 more transcripts); c.76A>G, p.Ser26Gly (NM_001353161.3); short protein forms S26G, S4G.
Identifiers: ClinVar variation 4074435 (VCV004074435.1).

ClinVar aggregate classification (germline): Uncertain significance (1 of 4 stars; one submission).

Submission:

GeneDx
Classification: Uncertain significance. Last evaluated: 2025-02-03. Review status: criteria provided, single submitter. Criteria: GeneDx Variant Classification Process June 2021. Collection method: clinical testing. Allele origin: germline. Affected: yes.
Comment: Not observed at significant frequency in large population cohorts (gnomAD); In silico analysis indicates that this missense variant does not alter protein structure/function; Has not been previously published as pathogenic or benign to our knowledge